The following is an entry in ClinVar:

ClinVar aggregate classification (germline): Uncertain significance (1 of 4 stars; one submission).

Submission:

GeneDx
Classification: Uncertain significance. Last evaluated: 2024-06-23. Review status: criteria provided, single submitter. Criteria: GeneDx Variant Classification Process June 2021. Collection method: clinical testing. Allele origin: germline. Affected: yes.
Comment: Not observed at significant frequency in large population cohorts (gnomAD); In silico analysis indicates that this missense variant does not alter protein structure/function; Has not been previously published as pathogenic or benign to our knowledge

NM_015557.3(CHD5):c.4688T>G (p.Leu1563Arg)

Gene: CHD5 (chromodomain helicase DNA binding protein 5; minus strand). Cytogenetic location: 1p36.31.
Variant type: single nucleotide variant.
Coding change: c.4688T>G on transcript NM_015557.3 (MANE Select); coding-DNA position 4688, T replaced by G.
Protein change: p.Leu1563Arg; replaces leucine 1563 with arginine.
Molecular consequence: missense variant.
Genome position (GRCh38, 1-based): chr1:6,123,959, A>C on the plus strand (T>G on the coding strand, the complement: CHD5 is on the minus strand). VCF-style: chr1-6123959-A-C. GRCh37 (hg19) VCF-style: chr1-6184019-A-C.
Other names: short protein forms L1563R.
Identifiers: ClinVar variation 3391467 (VCV003391467.1).